The following is an entry in ClinVar:

ClinVar aggregate classification (germline): Uncertain significance. Review status: criteria provided, multiple submitters, no conflicts (2 of 4 stars). 2 submissions from 2 submitters: Uncertain significance (2). Last evaluated 2024-05-14.

Conditions:
Inborn genetic diseases. Identifiers: MedGen C0950123, MeSH D030342.

Allele frequency attached by ClinVar (database versions not stated): TOPMed 0.00005.

Submissions (2):

Ambry Genetics
Classification: Uncertain significance for Inborn genetic diseases. Last evaluated: 2024-05-14. Review status: criteria provided, single submitter. Criteria: Ambry Variant Classification Scheme 2023. Collection method: clinical testing. Allele origin: germline.

Women's Health and Genetics/Laboratory Corporation of America, LabCorp
Classification: Uncertain significance. Last evaluated: 2024-04-05. Review status: criteria provided, single submitter. Criteria: LabCorp Variant Classification Summary - May 2015. Collection method: clinical testing. Allele origin: germline.
Comment: Variant summary: SUZ12 c.431T>C (p.Met144Thr) results in a non-conservative amino acid change in the encoded protein sequence. Three of five in-silico tools predict a benign effect of the variant on protein function. The variant was absent in 245808 control chromosomes. The available data on variant occurrences in the general population are insufficient to allow any conclusion about variant significance. To our knowledge, no occurrence of c.431T>C in individuals affected with Imagawa-Matsumoto Syndrome and no experimental evidence demonstrating its impact on protein function have been reported. No submitters have cited clinical-significance assessments for this variant to ClinVar. Based on the evidence outlined above, the variant was classified as uncertain significance.

NM_015355.4(SUZ12):c.431T>C (p.Met144Thr)

Gene: SUZ12 (SUZ12 polycomb repressive complex 2 subunit; plus strand). Cytogenetic location: 17q11.2.
Variant type: single nucleotide variant.
Coding change: c.431T>C on transcript NM_015355.4 (MANE Select); coding-DNA position 431, T replaced by C.
Protein change: p.Met144Thr; replaces methionine 144 with threonine.
Molecular consequence: missense variant. On other transcripts: intron variant (1).
Genome position (GRCh38, 1-based): chr17:31,947,661, T>C. VCF-style: chr17-31947661-T-C. GRCh37 (hg19) VCF-style: chr17-30274680-T-C.
Other names: c.386+7175T>C (NM_001321207.2); c.431T>C (NM_015355.2); short protein forms M144T.
Identifiers: ClinVar variation 3251504 (VCV003251504.2), dbSNP rs1024318383.